The following is an entry in ClinVar:

NM_002016.2(FLG):c.977G>A (p.Trp326Ter)

Genes: CCDST (cervical cancer associated DHX9 suppressive transcript; plus strand), FLG (filaggrin; minus strand). Cytogenetic location: 1q21.3.
Variant type: single nucleotide variant.
Coding change: c.977G>A on transcript NM_002016.2 (MANE Select); coding-DNA position 977, G replaced by A.
Protein change: p.Trp326Ter; replaces tryptophan 326 with a stop codon.
Molecular consequence: nonsense. On other transcripts: non-coding transcript variant (1).
Genome position (GRCh38, 1-based): chr1:152,313,909, C>T on the plus strand (G>A on the coding strand, the complement: FLG is on the minus strand). VCF-style: chr1-152313909-C-T. GRCh37 (hg19) VCF-style: chr1-152286385-C-T.
Other names: short protein forms W326*.
Identifiers: ClinVar variation 489072 (VCV000489072.5), dbSNP rs201728138, ClinGen allele CA1107838.

ClinVar aggregate classification (germline): Pathogenic (1 of 4 stars; one submission).

Allele frequency attached by ClinVar (database versions not stated): gnomAD 0.00001 and 0.00002; gnomAD exomes 0.00001 and 0.00007; TOPMed 0.00001; ExAC 0.00003; 1000 Genomes Project 30x 0.00031; 1000 Genomes Project 0.00040.
gnomAD v4.1: 97 of 1,613,880 alleles (0.006%); highest among the groups gnomAD compares: South Asian, 0.015%; no homozygotes.

Submission:

GeneDx
Classification: Pathogenic. Last evaluated: 2023-11-20. Review status: criteria provided, single submitter. Criteria: GeneDx Variant Classification Process June 2021. Collection method: clinical testing. Allele origin: germline. Affected: yes.
Comment: Nonsense variant in the C-terminus predicted to result in protein truncation, as the last 3736 amino acids are lost, and other loss-of-function variants have been reported downstream in the Human Gene Mutation Database (HGMD); Not observed at a significant frequency in large population cohorts (gnomAD); Has not been previously published as pathogenic or benign to our knowledge